The following is an entry in ClinVar:

ClinVar aggregate classification (germline): Uncertain significance (1 of 4 stars; one submission).

Conditions:
Hereditary cancer-predisposing syndrome. Also called: Neoplastic Syndromes, Hereditary; Tumor predisposition; Hereditary neoplastic syndrome; Hereditary Cancer Syndrome. Identifiers: Orphanet 140162, MedGen C0027672, MeSH D009386, MONDO:0015356.

gnomAD v4.1: 1 of 1,611,690 alleles (0.000062%); highest among the groups gnomAD compares: Non-Finnish European, 0.000085%; no homozygotes.

Submission:

Ambry Genetics
Classification: Uncertain significance for Hereditary cancer-predisposing syndrome. Last evaluated: 2026-07-18. Review status: criteria provided, single submitter. Criteria: Ambry Variant Classification Scheme 2023. Collection method: clinical testing. Allele origin: germline.
Comment: The p.Y74F variant (also known as c.221A>T), located in coding exon 1 of the TMEM127 gene, results from an A to T substitution at nucleotide position 221. The tyrosine at codon 74 is replaced by phenylalanine, an amino acid with highly similar properties. This amino acid position is conserved. In addition, the in silico prediction for this alteration is inconclusive. Based on the available evidence, the clinical significance of this variant remains unclear.

NM_017849.4(TMEM127):c.221A>T (p.Tyr74Phe)

Gene: TMEM127 (transmembrane protein 127; minus strand). Cytogenetic location: 2q11.2.
Variant type: single nucleotide variant.
Coding change: c.221A>T on transcript NM_017849.4 (MANE Select); coding-DNA position 221, A replaced by T.
Protein change: p.Tyr74Phe; replaces tyrosine 74 with phenylalanine.
Molecular consequence: missense variant. On other transcripts: intron variant (1).
Genome position (GRCh38, 1-based): chr2:96,265,161, T>A on the plus strand (A>T on the coding strand, the complement: TMEM127 is on the minus strand). VCF-style: chr2-96265161-T-A. GRCh37 (hg19) VCF-style: chr2-96930899-T-A.
Other names: c.221A>T, p.Tyr74Phe (NM_001193304.3); c.-9+708A>T (NM_001407283.1); short protein forms Y74F.
Identifiers: ClinVar variation 5030934 (VCV005030934.1).
Genomic context (GRCh38, chr2:96,265,161, plus strand): 5'-CACCGAGGCTTTAAGGGCCAGCGCGCAGCACCCTCACCTTTCAGCAGGTCCGGGTGCACA[T>A]AGCCCAACACGTCGGAGACCCCCAGCTCCTGGCGCGAACAGGTGCCTCCGTGGATGTGCA-3'
Protein context (NP_060319.1, residues 64-84): QELGVSDVLG[Tyr74Phe]VHPDLLKDFC